The following is an entry in ClinVar:

NM_018136.5(ASPM):c.2783del (p.Ala928fs)

Gene: ASPM (assembly factor for spindle microtubules; minus strand). Cytogenetic location: 1q31.3.
Variant type: Deletion.
Coding change: c.2783del on transcript NM_018136.5 (MANE Select); coding-DNA position 2783, one base deleted (C; older notation c.2783delC).
Protein change: p.Ala928fs; shifts the reading frame from alanine 928.
Molecular consequence: frameshift variant.
Genome position (GRCh38, 1-based): chr1:197,128,643, G deleted on the plus strand (C on the coding strand, the reverse complement: ASPM is on the minus strand). VCF-style (leftmost placement, unchanged base first): chr1-197128642-AG-A. GRCh37 (hg19) VCF-style: chr1-197097772-AG-A.
Other names: c.2783del, p.Ala928fs (NM_001206846.2); short protein forms A928fs.
Identifiers: ClinVar variation 2431058 (VCV002431058.2), dbSNP rs2527364187, ClinGen allele CA2580061825.

ClinVar aggregate classification (germline): Likely pathogenic (1 of 4 stars; one submission).

Conditions:
Microcephaly 5, primary, autosomal recessive (MCPH5). Also called: ASPM Primary Microcephaly. Identifiers: Orphanet 2512, MedGen C1837501, MONDO:0012106, OMIM 608716.

Submission:

Department of Paediatric Medicine, Post Graduation Institute of Medical Education and Research
Classification: Likely pathogenic for Microcephaly 5, primary, autosomal recessive. Last evaluated: 2023-03-01. Review status: criteria provided, single submitter. Criteria: ACMG Guidelines, 2015. Collection method: clinical testing. Allele origin: inherited. Inheritance: Autosomal recessive inheritance. Affected: no. Observed: 1 variant allele, 1 heterozygote.
Comment: PVS1, PM2